The following is an entry in ClinVar:

ClinVar aggregate classification (germline): Likely benign (1 of 4 stars; one submission).

Submission:

GeneDx
Classification: Likely benign. Last evaluated: 2018-04-17. Review status: criteria provided, single submitter. Criteria: GeneDx Variant Classification (06012015). Collection method: clinical testing. Allele origin: germline. Affected: yes.
Comment: This variant is considered likely benign or benign based on one or more of the following criteria: it is a conservative change, it occurs at a poorly conserved position in the protein, it is predicted to be benign by multiple in silico algorithms, and/or has population frequency not consistent with disease.

NM_001267550.2(TTN):c.102064C>G (p.Gln34022Glu)

Genes: TTN (titin; minus strand), TTN-AS1 (TTN antisense RNA 1; plus strand). Cytogenetic location: 2q31.2.
Variant type: single nucleotide variant.
Coding change: c.102064C>G on transcript NM_001267550.2 (MANE Select); coding-DNA position 102064, C replaced by G.
Protein change: p.Gln34022Glu; replaces glutamine 34022 with glutamic acid.
Molecular consequence: missense variant.
Genome position (GRCh38, 1-based): chr2:178,534,551, G>C on the plus strand (C>G on the coding strand, the complement: TTN is on the minus strand). VCF-style: chr2-178534551-G-C. GRCh37 (hg19) VCF-style: chr2-179399278-G-C.
Other names: c.97141C>G, p.Gln32381Glu (NM_001256850.1); c.74869C>G, p.Gln24957Glu (NM_003319.4); c.94360C>G, p.Gln31454Glu (NM_133378.4); c.75244C>G, p.Gln25082Glu (NM_133432.3); c.75445C>G, p.Gln25149Glu (NM_133437.4); short protein forms Q32381E, Q25149E, Q24957E, Q25082E, Q34022E, Q31454E.
Identifiers: ClinVar variation 678963 (VCV000678963.1), dbSNP rs1575281566, ClinGen allele CA349418451.